The following is an entry in ClinVar:

NM_152564.5(VPS13B):c.1764C>A (p.Ser588Arg)

Gene: VPS13B (vacuolar protein sorting 13 homolog B; plus strand). Cytogenetic location: 8q22.2.
Variant type: single nucleotide variant.
Coding change: c.1764C>A on transcript NM_152564.5 (MANE Select); coding-DNA position 1764, C replaced by A.
Protein change: p.Ser588Arg; replaces serine 588 with arginine.
Molecular consequence: missense variant.
Genome position (GRCh38, 1-based): chr8:99,143,086, C>A. VCF-style: chr8-99143086-C-A. GRCh37 (hg19) VCF-style: chr8-100155314-C-A.
Other names: c.1764C>A, p.Ser588Arg (NM_017890.5, NM_015243.3); short protein forms S588R.
Identifiers: ClinVar variation 4771886 (VCV004771886.1).

ClinVar aggregate classification (germline): Uncertain significance (1 of 4 stars; one submission).

Conditions:
Cohen syndrome (COH1). Also called: Cutis verticis gyrata, retinitis pigmentosa, and sensorineural deafness; PEPPER SYNDROME. Identifiers: Orphanet 193, MedGen C0265223, MONDO:0008999, OMIM 216550.

Submission:

Labcorp Genetics (formerly Invitae), Labcorp
Classification: Uncertain significance for Cohen syndrome. Last evaluated: 2025-12-08. Review status: criteria provided, single submitter. Criteria: Invitae Variant Classification Sherloc (09022015). Collection method: clinical testing. Allele origin: germline.
Comment: This sequence change replaces serine, which is neutral and polar, with arginine, which is basic and polar, at codon 588 of the VPS13B protein (p.Ser588Arg). This variant is not present in population databases (gnomAD no frequency). This variant has not been reported in the literature in individuals affected with VPS13B-related conditions. Invitae Evidence Modeling of protein sequence and biophysical properties (such as structural, functional, and spatial information, amino acid conservation, physicochemical variation, residue mobility, and thermodynamic stability) indicates that this missense variant is expected to disrupt VPS13B protein function with a positive predictive value of 80%. In summary, the available evidence is currently insufficient to determine the role of this variant in disease. Therefore, it has been classified as a Variant of Uncertain Significance.